The following is an entry in ClinVar:

ClinVar aggregate classification (germline): Benign. Review status: criteria provided, multiple submitters, no conflicts (2 of 4 stars). 2 submissions from 2 submitters: Benign (2). Last evaluated 2018-01-13.

Conditions:
Microcytic anemia. Identifiers: MedGen C5194182, MONDO:0001245, HP:0001935. Disease mechanism: loss of function.

Allele frequency attached by ClinVar (database versions not stated): gnomAD 0.02246 and 0.02393; TOPMed 0.02414; 1000 Genomes Project 0.04712; 1000 Genomes Project 30x 0.04716.
gnomAD v4.1: 14,726 of 1,557,390 alleles (0.95%); highest among the groups gnomAD compares: South Asian, 8.7%; 603 homozygotes.

Submissions (2):

Illumina Laboratory Services, Illumina
Classification: Benign for Iron-refractory iron deficiency anemia. Last evaluated: 2018-01-13. Review status: criteria provided, single submitter. Criteria: ICSL Variant Classification Criteria 13 December 2019. Collection method: clinical testing. Allele origin: germline.
Comment: This variant was observed in the ICSL laboratory as part of a predisposition screen in an ostensibly healthy population. It had not been previously curated by ICSL or reported in the Human Gene Mutation Database (HGMD: prior to June 1st, 2018), and was therefore a candidate for classification through an automated scoring system. Utilizing variant allele frequency, disease prevalence and penetrance estimates, and inheritance mode, an automated score was calculated to assess if this variant is too frequent to cause the disease. Based on the score and internal cut-off values, a variant classified as benign is not then subjected to further curation. The score for this variant resulted in a classification of benign for this disease.

Breakthrough Genomics
Classification: Benign. Review status: criteria provided, single submitter. Criteria: ACMG Guidelines, 2015. Collection method: not provided. Allele origin: germline. Inheritance: Autosomal recessive inheritance. Affected: yes.

NM_001374504.1(TMPRSS6):c.*86C>T

Gene: TMPRSS6 (transmembrane serine protease 6; minus strand). Cytogenetic location: 22q12.3.
Variant type: single nucleotide variant.
Coding change: c.*86C>T on transcript NM_001374504.1 (MANE Select); 86 bases downstream of the stop codon, C replaced by T.
Molecular consequence: 3 prime UTR variant.
Genome position (GRCh38, 1-based): chr22:37,065,994, G>A on the plus strand (C>T on the coding strand, the complement: TMPRSS6 is on the minus strand). VCF-style: chr22-37065994-G-A. GRCh37 (hg19) VCF-style: chr22-37462034-G-A.
Other names: c.*86C>T (NM_001289000.2, NM_001289001.2, NM_153609.4).
Identifiers: ClinVar variation 341575 (VCV000341575.6), dbSNP rs116795891, ClinGen allele CA10653483.